The following is an entry in ClinVar:

ClinVar aggregate classification (germline): Uncertain significance (1 of 4 stars; one submission).

Conditions:
RAI1-related disorder. Also called: RAI1-related condition.

gnomAD v4.1: 4 of 1,613,582 alleles (0.00025%); highest among the groups gnomAD compares: Non-Finnish European, 0.00034%; no homozygotes.

Submission:

PreventionGenetics, part of Exact Sciences
Classification: Uncertain significance for RAI1-related condition. Last evaluated: 2026-09-23. Review status: criteria provided, single submitter. Criteria: ACMG Guidelines, 2015. Collection method: clinical testing. Allele origin: germline.
Comment: The RAI1 c.2846T>C variant is predicted to result in the amino acid substitution p.Met949Thr. To our knowledge, this variant has not been reported in the literature or in a large population database (gnomAD), indicating this variant is rare. At this time, the clinical significance of this variant is uncertain due to the absence of conclusive functional and genetic evidence.

NM_030665.4(RAI1):c.2846T>C (p.Met949Thr)

Gene: RAI1 (retinoic acid induced 1; plus strand). Cytogenetic location: 17p11.2.
Variant type: single nucleotide variant.
Coding change: c.2846T>C on transcript NM_030665.4 (MANE Select); coding-DNA position 2846, T replaced by C.
Protein change: p.Met949Thr; replaces methionine 949 with threonine.
Molecular consequence: missense variant.
Genome position (GRCh38, 1-based): chr17:17,795,794, T>C. VCF-style: chr17-17795794-T-C. GRCh37 (hg19) VCF-style: chr17-17699108-T-C.
Other names: short protein forms M949T.
Identifiers: ClinVar variation 4995581 (VCV004995581.1).